The following is an entry in ClinVar:

ClinVar aggregate classification (germline): Pathogenic. Review status: criteria provided, multiple submitters, no conflicts (2 of 4 stars). 2 submissions from 2 submitters: Pathogenic (2). Last evaluated 2026-01-15.

Conditions:
Episodic ataxia type 2 (EA2). Also called: ACETAZOLAMIDE-RESPONSIVE HEREDITARY PAROXYSMAL CEREBELLAR ATAXIA; ATAXIA, EPISODIC, WITH NYSTAGMUS; ATAXIA, FAMILIAL PAROXYSMAL; CEREBELLAR ATAXIA, PAROXYSMAL, ACETAZOLAMIDE-RESPONSIVE; CEREBELLOPATHY, HEREDITARY PAROXYSMAL; EPISODIC ATAXIA, NYSTAGMUS-ASSOCIATED. Identifiers: Orphanet 97, MedGen C1720416, MONDO:0007163, OMIM 108500.

Submissions (2):

GeneDx
Classification: Pathogenic. Last evaluated: 2026-01-15. Review status: criteria provided, single submitter. Criteria: GeneDx Variant Classification Process June 2021. Collection method: clinical testing. Allele origin: germline.
Comment: Not observed at significant frequency in large population cohorts (gnomAD); Nonsense variant predicted to result in protein truncation or nonsense mediated decay in a gene for which loss of function is a known mechanism of disease; This variant is associated with the following publications: (PMID: 33462637)

Juno Genomics, Hangzhou Juno Genomics, Inc
Classification: Pathogenic for Episodic ataxia type 2. Review status: criteria provided, single submitter. Criteria: ACMG Guidelines, 2015. Collection method: clinical testing. Allele origin: germline. Affected: yes.
Comment: Absent from controls (or at extremely low frequency if recessive) in Genome Aggregation Database.;Null variant in a gene where loss of function (LOF) is a known mechanism of disease.;Patient's phenotype or family history is highly specific for a disease with a single genetic etiology.;The prevalence of the variant in affected individuals is significantly increased compared to the prevalence in controls.

NM_001127222.2(CACNA1A):c.202C>T (p.Arg68Ter)

Gene: CACNA1A (calcium voltage-gated channel subunit alpha1 A; minus strand). Cytogenetic location: 19p13.13.
Variant type: single nucleotide variant.
Coding change: c.202C>T on transcript NM_001127222.2 (MANE Select); coding-DNA position 202, C replaced by T.
Protein change: p.Arg68Ter; replaces arginine 68 with a stop codon.
Molecular consequence: nonsense.
Genome position (GRCh38, 1-based): chr19:13,506,023, G>A on the plus strand (C>T on the coding strand, the complement: CACNA1A is on the minus strand). VCF-style: chr19-13506023-G-A. GRCh37 (hg19) VCF-style: chr19-13616837-G-A.
Other names: c.202C>T, p.Arg68Ter (NM_000068.4, NM_001127221.2, NM_001174080.2 and 1 more transcripts); short protein forms R68*.
Identifiers: ClinVar variation 1803536 (VCV001803536.3), dbSNP rs2513708889, ClinGen allele CA404970984.
Genomic context (GRCh38, chr19:13,506,023, plus strand): 5'-TCACCACGTTGTCTTCGCTGAAGAGGAAGAGAGACCGGTTAACCGTGAGGCAGTTCTGTC[G>A]GACGGGGATGGGGTTGTAGAGTGCCATGGTCCGCGCTCTCTGCGCCATTGACTGCTTGTA-3'